The following is an entry in ClinVar:

NM_000147.5(FUCA1):c.23C>A (p.Ser8Ter)

Gene: FUCA1 (alpha-L-fucosidase 1; minus strand). Cytogenetic location: 1p36.11.
Variant type: single nucleotide variant.
Coding change: c.23C>A on transcript NM_000147.5 (MANE Select); coding-DNA position 23, C replaced by A.
Protein change: p.Ser8Ter; replaces serine 8 with a stop codon.
Molecular consequence: nonsense. On other transcripts: non-coding transcript variant (4).
Genome position (GRCh38, 1-based): chr1:23,868,264, G>T on the plus strand (C>A on the coding strand, the complement: FUCA1 is on the minus strand). VCF-style: chr1-23868264-G-T. GRCh37 (hg19) VCF-style: chr1-24194754-G-T.
Other names: c.23C>A (NM_000147.4); short protein forms S8*.
Identifiers: ClinVar variation 2849047 (VCV002849047.4), dbSNP rs550501788, ClinGen allele CA339010958.

ClinVar aggregate classification (germline): Pathogenic/Likely pathogenic. Review status: criteria provided, multiple submitters, no conflicts (2 of 4 stars). 2 submissions from 2 submitters: Pathogenic (1); Likely pathogenic (1). Last evaluated 2026-07-14.

Conditions:
Fucosidosis. Also called: ALPHA-L-FUCOSIDASE DEFICIENCY. Identifiers: Orphanet 349, MedGen C0016788, MONDO:0009254, OMIM 230000.
FUCA1-related disorder. Also called: FUCA1-related condition.

gnomAD v4.1: 1 of 1,555,804 alleles (0.000064%); highest among the groups gnomAD compares: Non-Finnish European, 0.000087%; no homozygotes.

Submissions (2):

PreventionGenetics, part of Exact Sciences
Classification: Likely pathogenic for FUCA1-related condition. Last evaluated: 2026-07-14. Review status: criteria provided, single submitter. Criteria: ACMG Guidelines, 2015. Collection method: clinical testing. Allele origin: germline.
Comment: The FUCA1 c.23C>A variant is predicted to result in premature protein termination (p.Ser8*). To our knowledge, this variant has not been reported in literature or in a large population database (gnomAD), indicating this variant is rare. Nonsense variants in FUCA1 are expected to be pathogenic. This variant is interpreted as likely pathogenic.

Labcorp Genetics (formerly Invitae), Labcorp
Classification: Pathogenic for Fucosidosis. Last evaluated: 2023-03-27. Review status: criteria provided, single submitter. Criteria: Invitae Variant Classification Sherloc (09022015). Collection method: clinical testing. Allele origin: germline.
Comment: This sequence change creates a premature translational stop signal (p.Ser8*) in the FUCA1 gene. It is expected to result in an absent or disrupted protein product. Loss-of-function variants in FUCA1 are known to be pathogenic (PMID: 10094192). This variant is not present in population databases (gnomAD no frequency). This variant has not been reported in the literature in individuals affected with FUCA1-related conditions. For these reasons, this variant has been classified as Pathogenic.

Literature cited by the submitters: PubMed 10094192 (cited by Labcorp Genetics (formerly Invitae), Labcorp).